The following is an entry in ClinVar:

ClinVar aggregate classification (germline): Likely benign. Review status: criteria provided, multiple submitters, no conflicts (2 of 4 stars). 5 submissions from 5 submitters: Likely benign (5). Last evaluated 2025-09-09.

Conditions:
Cardiovascular phenotype. Identifiers: MedGen CN230736.
Arrhythmogenic right ventricular dysplasia 5. Also called: Arrhythmogenic Right Ventricular Dysplasia/Cardiomyopathy 5; ARRHYTHMOGENIC RIGHT VENTRICULAR DYSPLASIA, FAMILIAL, 5. Identifiers: MedGen C1858379, MONDO:0011459, OMIM 604400.
Cardiomyopathy (CMYO). Also called: Cardiomyopathies. Identifiers: Orphanet 167848, MedGen C0878544, MONDO:0004994, HP:0001638. Inheritance: Various modes of inheritance.

Allele frequency attached by ClinVar (database versions not stated): gnomAD 0.00001; gnomAD exomes 0.00001; TOPMed 0.00003.
gnomAD v4.1: 22 of 1,613,574 alleles (0.0014%); highest among the groups gnomAD compares: Non-Finnish European, 0.0018%; no homozygotes.

Submissions (5):

Labcorp Genetics (formerly Invitae), Labcorp
Classification: Likely benign for Arrhythmogenic right ventricular dysplasia 5. Last evaluated: 2025-09-09. Review status: criteria provided, single submitter. Criteria: Invitae Variant Classification Sherloc (09022015). Collection method: clinical testing. Allele origin: germline.

All of Us Research Program, National Institutes of Health
Classification: Likely benign for Arrhythmogenic right ventricular dysplasia 5. Last evaluated: 2023-10-27. Review status: criteria provided, single submitter. Criteria: ACMG Guidelines, 2015. Collection method: clinical testing. Allele origin: germline. Inheritance: Autosomal dominant inheritance. Observed: 5 variant alleles, 5 heterozygotes.
Comment: This study involves interpretation of variants in research participants for the purpose of population health screening. Participant phenotype was not available at the time of variant classification. Additional details can be found in publication PMID: 35346344, PMCID: PMC8962531

Blueprint Genetics
Classification: Likely benign. Last evaluated: 2021-05-12. Review status: criteria provided, single submitter. Criteria: ACMG Guidelines, 2015. Collection method: clinical testing. Allele origin: germline.

Ambry Genetics
Classification: Likely benign for Cardiovascular phenotype. Last evaluated: 2019-03-07. Review status: criteria provided, single submitter. Criteria: Ambry Variant Classification Scheme 2023. Collection method: clinical testing. Allele origin: germline.

Color Diagnostics, LLC DBA Color Health
Classification: Likely benign for Cardiomyopathy. Last evaluated: 2018-10-17. Review status: criteria provided, single submitter. Criteria: ACMG Guidelines, 2015. Collection method: clinical testing. Allele origin: germline.

NM_024334.3(TMEM43):c.381T>C (p.Thr127=)

Gene: TMEM43 (transmembrane protein 43; plus strand). Cytogenetic location: 3p25.1.
Variant type: single nucleotide variant.
Coding change: c.381T>C on transcript NM_024334.3 (MANE Select); coding-DNA position 381, T replaced by C.
Protein change: p.Thr127=; no amino-acid change (threonine 127 retained).
Molecular consequence: synonymous variant.
Genome position (GRCh38, 1-based): chr3:14,131,663, T>C. VCF-style: chr3-14131663-T-C. GRCh37 (hg19) VCF-style: chr3-14173163-T-C.
Identifiers: ClinVar variation 629738 (VCV000629738.14), dbSNP rs778409275, ClinGen allele CA69729422.